The following is an entry in ClinVar:

NM_004863.4(SPTLC2):c.36_37insCTC (p.Arg12_Thr13insLeu)

Gene: SPTLC2 (serine palmitoyltransferase long chain base subunit 2; minus strand). Cytogenetic location: 14q24.3.
Variant type: Insertion.
Coding change: c.36_37insCTC on transcript NM_004863.4 (MANE Select); coding-DNA positions 36 to 37, CTC inserted.
Protein change: p.Arg12_Thr13insLeu.
Molecular consequence: inframe insertion.
Genome position: GRCh38 VCF-style: chr14-77616543-T-TGAG. GRCh37 (hg19) VCF-style: chr14-78082886-T-TGAG.
Identifiers: ClinVar variation 3614747 (VCV003614747.2).

ClinVar aggregate classification (germline): Uncertain significance (1 of 4 stars; one submission).

Conditions:
Neuropathy, hereditary sensory and autonomic, type 1C. Also called: HSAN IC; HSN IC. Identifiers: Orphanet 36386, MedGen C3150896, MONDO:0013337, OMIM 613640.

Submission:

Labcorp Genetics (formerly Invitae), Labcorp
Classification: Uncertain significance for Neuropathy, hereditary sensory and autonomic, type 1C. Last evaluated: 2024-05-15. Review status: criteria provided, single submitter. Criteria: Invitae Variant Classification Sherloc (09022015). Collection method: clinical testing. Allele origin: germline.
Comment: This variant, c.36_37insCTC, results in the insertion of 1 amino acid(s) of the SPTLC2 protein (p.Arg12_Thr13insLeu), but otherwise preserves the integrity of the reading frame. This variant is not present in population databases (gnomAD no frequency). This variant has not been reported in the literature in individuals affected with SPTLC2-related conditions. In summary, the available evidence is currently insufficient to determine the role of this variant in disease. Therefore, it has been classified as a Variant of Uncertain Significance.